The following is an entry in ClinVar:

ClinVar aggregate classification (germline): Uncertain significance (1 of 4 stars; one submission).

Allele frequency attached by ClinVar (database versions not stated): gnomAD exomes 0.00005 and 0.00001; gnomAD 0.00001; ExAC 0.00001.
gnomAD v4.1: 72 of 1,613,092 alleles (0.0045%); highest among the groups gnomAD compares: Non-Finnish European, 0.0055%; no homozygotes.

Submission:

Labcorp Genetics (formerly Invitae), Labcorp
Classification: Uncertain significance. Last evaluated: 2024-08-28. Review status: criteria provided, single submitter. Criteria: Invitae Variant Classification Sherloc (09022015). Collection method: clinical testing. Allele origin: germline.
Comment: This sequence change replaces aspartic acid, which is acidic and polar, with valine, which is neutral and non-polar, at codon 304 of the CHRM2 protein (p.Asp304Val). This variant is present in population databases (rs778284565, gnomAD 0.003%). This variant has not been reported in the literature in individuals affected with CHRM2-related conditions. ClinVar contains an entry for this variant (Variation ID: 1509476). An algorithm developed to predict the effect of missense changes on protein structure and function (PolyPhen-2) suggests that this variant is likely to be tolerated. In summary, the available evidence is currently insufficient to determine the role of this variant in disease. Therefore, it has been classified as a Variant of Uncertain Significance.

NM_001006630.2(CHRM2):c.911A>T (p.Asp304Val)

Genes: CHRM2 (cholinergic receptor muscarinic 2; plus strand), LOC349160 (uncharacterized LOC349160; minus strand). Cytogenetic location: 7q33.
Variant type: single nucleotide variant.
Coding change: c.911A>T on transcript NM_001006630.2 (MANE Select); coding-DNA position 911, A replaced by T.
Protein change: p.Asp304Val; replaces aspartic acid 304 with valine.
Molecular consequence: missense variant.
Genome position (GRCh38, 1-based): chr7:137,015,776, A>T. VCF-style: chr7-137015776-A-T. GRCh37 (hg19) VCF-style: chr7-136700523-A-T.
Other names: c.911A>T, p.Asp304Val (NM_000739.3, NM_001006626.3, NM_001006627.3 and 6 more transcripts); short protein forms D304V.
Identifiers: ClinVar variation 1509476 (VCV001509476.8), dbSNP rs778284565, ClinGen allele CA4500589.